The following is an entry in ClinVar:

NM_020442.6(VARS2):c.-28+87C>T

Gene: VARS2 (valyl-tRNA synthetase 2, mitochondrial; plus strand). Cytogenetic location: 6p21.33.
Variant type: single nucleotide variant.
Coding change: c.-28+87C>T on transcript NM_020442.6 (MANE Select); 87 bases into the intron after 28 bases upstream of the start codon, C replaced by T.
Molecular consequence: intron variant. On other transcripts: missense variant (1).
Genome position (GRCh38, 1-based): chr6:30,914,431, C>T. VCF-style: chr6-30914431-C-T. GRCh37 (hg19) VCF-style: chr6-30882208-C-T.
Other names: c.20C>T, p.Pro7Leu (NM_001167734.2); c.-220+87C>T (NM_001167733.3); short protein forms P7L.
Identifiers: ClinVar variation 1412694 (VCV001412694.8), dbSNP rs1434750646, ClinGen allele CA363162275.

ClinVar aggregate classification (germline): Uncertain significance (1 of 4 stars; one submission).

Submission:

Labcorp Genetics (formerly Invitae), Labcorp
Classification: Uncertain significance. Last evaluated: 2021-12-02. Review status: criteria provided, single submitter. Criteria: Invitae Variant Classification Sherloc (09022015). Collection method: clinical testing. Allele origin: germline.
Comment: This sequence change replaces proline, which is neutral and non-polar, with leucine, which is neutral and non-polar, at codon 7 of the VARS2 protein (p.Pro7Leu). In summary, the available evidence is currently insufficient to determine the role of this variant in disease. Therefore, it has been classified as a Variant of Uncertain Significance. Algorithms developed to predict the effect of missense changes on protein structure and function output the following: SIFT: "Deleterious"; PolyPhen-2: "Possibly Damaging"; Align-GVGD: "Class C0". The leucine amino acid residue is found in multiple mammalian species, which suggests that this missense change does not adversely affect protein function. This variant has not been reported in the literature in individuals affected with VARS2-related conditions. This variant is not present in population databases (gnomAD no frequency).